The following is an entry in ClinVar:

NM_005529.7(HSPG2):c.9149C>T (p.Ala3050Val)

Gene: HSPG2 (heparan sulfate proteoglycan 2; minus strand). Cytogenetic location: 1p36.12.
Variant type: single nucleotide variant.
Coding change: c.9149C>T on transcript NM_005529.7 (MANE Select); coding-DNA position 9149, C replaced by T.
Protein change: p.Ala3050Val; replaces alanine 3050 with valine.
Molecular consequence: missense variant.
Genome position (GRCh38, 1-based): chr1:21,842,046, G>A on the plus strand (C>T on the coding strand, the complement: HSPG2 is on the minus strand). VCF-style: chr1-21842046-G-A. GRCh37 (hg19) VCF-style: chr1-22168539-G-A.
Other names: c.9152C>T, p.Ala3051Val (NM_001291860.2); c.9149C>T (NM_005529.5); short protein forms A3051V, A3050V.
Identifiers: ClinVar variation 1041381 (VCV001041381.9), dbSNP rs1572191112, ClinGen allele CA338915186.

ClinVar aggregate classification (germline): Conflicting classifications of pathogenicity. Review status: criteria provided, conflicting classifications (1 of 4 stars). 2 submissions from 2 submitters: Uncertain significance (1); Likely benign (1). Last evaluated 2025-09-26.

Conditions:
Inborn genetic diseases. Identifiers: MedGen C0950123, MeSH D030342.

Submissions (2):

Ambry Genetics
Classification: Likely benign for Inborn genetic diseases. Last evaluated: 2025-09-26. Review status: criteria provided, single submitter. Criteria: Ambry Variant Classification Scheme 2023. Collection method: clinical testing. Allele origin: germline.

Labcorp Genetics (formerly Invitae), Labcorp
Classification: Uncertain significance. Last evaluated: 2020-05-20. Review status: criteria provided, single submitter. Criteria: Invitae Variant Classification Sherloc (09022015). Collection method: clinical testing. Allele origin: germline.
Comment: In summary, the available evidence is currently insufficient to determine the role of this variant in disease. Therefore, it has been classified as a Variant of Uncertain Significance. Algorithms developed to predict the effect of missense changes on protein structure and function output the following: SIFT: "Tolerated"; PolyPhen-2: "Benign"; Align-GVGD: "Class C0". The valine amino acid residue is found in multiple mammalian species, suggesting that this missense change does not adversely affect protein function. These predictions have not been confirmed by published functional studies and their clinical significance is uncertain. This variant has not been reported in the literature in individuals with HSPG2-related conditions. This variant is not present in population databases (ExAC no frequency). This sequence change replaces alanine with valine at codon 3050 of the HSPG2 protein (p.Ala3050Val). The alanine residue is weakly conserved and there is a small physicochemical difference between alanine and valine.